The following is an entry in ClinVar:

NM_001009944.3(PKD1):c.1395C>T (p.Asp465=)

Gene: PKD1 (polycystin 1, transient receptor potential channel interacting; minus strand). Cytogenetic location: 16p13.3.
Variant type: single nucleotide variant.
Coding change: c.1395C>T on transcript NM_001009944.3 (MANE Select); coding-DNA position 1395, C replaced by T.
Protein change: p.Asp465=; no amino-acid change (aspartic acid 465 retained).
Molecular consequence: synonymous variant.
Genome position (GRCh38, 1-based): chr16:2,117,044, G>A on the plus strand (C>T on the coding strand, the complement: PKD1 is on the minus strand). VCF-style: chr16-2117044-G-A. GRCh37 (hg19) VCF-style: chr16-2167045-G-A.
Other names: c.1395C>T, p.Asp465= (NM_000296.4).
Identifiers: ClinVar variation 3035651 (VCV003035651.10), dbSNP rs566839225, ClinGen allele CA7833515.

ClinVar aggregate classification (germline): Likely benign. Review status: criteria provided, single submitter (1 of 4 stars). 2 submissions from 2 submitters: Likely benign (1). 1 of the submissions does not count toward it. Last evaluated 2025-07-01.

Conditions:
PKD1-related disorder. Also called: PKD1-related condition.

Allele frequency attached by ClinVar (database versions not stated): gnomAD 0.00004; TOPMed 0.00005; gnomAD exomes 0.00006; ExAC 0.00011; 1000 Genomes Project 30x 0.00016; 1000 Genomes Project 0.00020.
gnomAD v4.1: 104 of 1,577,598 alleles (0.0066%); highest among the groups gnomAD compares: Admixed American, 0.015%; no homozygotes.

Submissions (2):

CeGaT Center for Human Genetics Tuebingen
Classification: Likely benign. Last evaluated: 2025-07-01. Review status: criteria provided, single submitter. Criteria: CeGaT Center For Human Genetics Tuebingen Variant Classification Criteria Version 2. Collection method: clinical testing. Allele origin: germline. Affected: yes. Observed: 1 variant allele.
Comment: PKD1: BP4, BP7

PreventionGenetics, part of Exact Sciences
Classification: Likely benign for PKD1-related condition. Last evaluated: 2019-08-13. Review status: no assertion criteria provided. Collection method: clinical testing. Allele origin: germline. Not counted in ClinVar's aggregate classification.
Comment: This variant is classified as likely benign based on ACMG/AMP sequence variant interpretation guidelines (Richards et al. 2015 PMID: 25741868, with internal and published modifications).